The following is an entry in ClinVar:

NM_000051.4(ATM):c.2839-2A>T

Gene: ATM (ATM serine/threonine kinase; plus strand). Cytogenetic location: 11q22.3.
Variant type: single nucleotide variant.
Coding change: c.2839-2A>T on transcript NM_000051.4 (MANE Select); the canonical splice acceptor site of the intron before coding-DNA position 2839, A replaced by T.
Molecular consequence: splice acceptor variant.
Genome position (GRCh38, 1-based): chr11:108,271,062, A>T. VCF-style: chr11-108271062-A-T. GRCh37 (hg19) VCF-style: chr11-108141789-A-T.
Other names: c.2839-2A>T (NM_001351834.2).
Identifiers: ClinVar variation 1430486 (VCV001430486.6), dbSNP rs1060501703, ClinGen allele CA382546667.

ClinVar aggregate classification (germline): Pathogenic (1 of 4 stars; one submission).

Conditions:
Ataxia-telangiectasia syndrome (AT). Also called: Ataxia telangiectasia (A-T); LOUIS-BAR SYNDROME; Cerebello-oculocutaneous telangiectasia; Immunodeficiency with ataxia telangiectasia; AT, COMPLEMENTATION GROUP C; Ataxia-telangiectasia, complementation group D. Identifiers: Orphanet 100, MedGen C0004135, MONDO:0008840, OMIM 208900.

Submission:

Labcorp Genetics (formerly Invitae), Labcorp
Classification: Pathogenic for Ataxia-telangiectasia syndrome. Last evaluated: 2021-10-29. Review status: criteria provided, single submitter. Criteria: Invitae Variant Classification Sherloc (09022015). Collection method: clinical testing. Allele origin: germline.
Comment: For these reasons, this variant has been classified as Pathogenic. This variant disrupts a region of the ATM protein in which other variant(s) (p.Leu950Arg) have been determined to be pathogenic (PMID: 10873394, 12552559, 20678261, 21792198, 27989354; Invitae). This suggests that this is a clinically significant region of the protein, and that variants that disrupt it are likely to be disease-causing. Studies have shown that disruption of this splice site results in the activation of a cryptic splice site in exon 19 (Invitae). This variant has not been reported in the literature in individuals affected with ATM-related conditions. This variant is not present in population databases (gnomAD no frequency). This sequence change affects an acceptor splice site in intron 18 of the ATM gene. RNA analysis indicates that disruption of this splice site induces altered splicing and likely results in the loss of 6 amino acid residue(s), but is expected to preserve the integrity of the reading-frame.

Literature cited by the submitters: PubMed 10873394; PubMed 12552559; PubMed 20678261; PubMed 21792198; PubMed 27989354.